The following is an entry in ClinVar:

NM_020937.4(FANCM):c.5725T>G (p.Ser1909Ala)

Gene: FANCM (FA complementation group M; plus strand). Cytogenetic location: 14q21.2.
Variant type: single nucleotide variant.
Coding change: c.5725T>G on transcript NM_020937.4 (MANE Select); coding-DNA position 5725, T replaced by G.
Protein change: p.Ser1909Ala; replaces serine 1909 with alanine.
Molecular consequence: missense variant.
Genome position (GRCh38, 1-based): chr14:45,198,652, T>G. VCF-style: chr14-45198652-T-G. GRCh37 (hg19) VCF-style: chr14-45667855-T-G.
Other names: c.5647T>G, p.Ser1883Ala (NM_001308133.2); short protein forms S1909A, S1883A.
Identifiers: ClinVar variation 4022853 (VCV004022853.1).

ClinVar aggregate classification (germline): Uncertain significance (1 of 4 stars; one submission).

Conditions:
Inborn genetic diseases. Identifiers: MedGen C0950123, MeSH D030342.

Submission:

Ambry Genetics
Classification: Uncertain significance for Inborn genetic diseases. Last evaluated: 2025-06-06. Review status: criteria provided, single submitter. Criteria: Ambry Variant Classification Scheme 2023. Collection method: clinical testing. Allele origin: germline.
Comment: The p.S1909A variant (also known as c.5725T>G), located in coding exon 22 of the FANCM gene, results from a T to G substitution at nucleotide position 5725. The serine at codon 1909 is replaced by alanine, an amino acid with similar properties. This amino acid position is conserved. In addition, this alteration is predicted to be tolerated by in silico analysis. Based on the available evidence, the clinical significance of this variant remains unclear.